The following is an entry in ClinVar:

NM_001287.6(CLCN7):c.1801C>G (p.Leu601Val)

Gene: CLCN7 (chloride voltage-gated channel 7; minus strand). Cytogenetic location: 16p13.3.
Variant type: single nucleotide variant.
Coding change: c.1801C>G on transcript NM_001287.6 (MANE Select); coding-DNA position 1801, C replaced by G.
Protein change: p.Leu601Val; replaces leucine 601 with valine.
Molecular consequence: missense variant.
Genome position (GRCh38, 1-based): chr16:1,448,763, G>C on the plus strand (C>G on the coding strand, the complement: CLCN7 is on the minus strand). VCF-style: chr16-1448763-G-C. GRCh37 (hg19) VCF-style: chr16-1498764-G-C.
Other names: c.1729C>G, p.Leu577Val (NM_001114331.3); short protein forms L577V, L601V.
Identifiers: ClinVar variation 1415805 (VCV001415805.6), dbSNP rs2142367982, ClinGen allele CA394186438.
Genomic context (GRCh38, chr16:1,448,763, plus strand): 5'-TGACCGGGGCCTCCCAGTGCAGGAAGGGCACACTCTGCAGCTGAATGTGCATGTCGTACA[G>C]GCCCTGCGGGCGGGGCGGGAACACAGGGCTTGAGGAGTCCACACCCACCCCTGGAGCCCC-3'
Protein context (NP_001278.1, residues 591-611): KIVGDVFIEG[Leu601Val]YDMHIQLQSV

ClinVar aggregate classification (germline): Uncertain significance (1 of 4 stars; one submission).

Submission:

Labcorp Genetics (formerly Invitae), Labcorp
Classification: Uncertain significance. Last evaluated: 2022-11-01. Review status: criteria provided, single submitter. Criteria: Invitae Variant Classification Sherloc (09022015). Collection method: clinical testing. Allele origin: germline.
Comment: This sequence change replaces leucine, which is neutral and non-polar, with valine, which is neutral and non-polar, at codon 601 of the CLCN7 protein (p.Leu601Val). This variant is not present in population databases (gnomAD no frequency). This variant has not been reported in the literature in individuals affected with CLCN7-related conditions. ClinVar contains an entry for this variant (Variation ID: 1415805). Advanced modeling of protein sequence and biophysical properties (such as structural, functional, and spatial information, amino acid conservation, physicochemical variation, residue mobility, and thermodynamic stability) performed at Invitae indicates that this missense variant is not expected to disrupt CLCN7 protein function. In summary, the available evidence is currently insufficient to determine the role of this variant in disease. Therefore, it has been classified as a Variant of Uncertain Significance.